The following is an entry in ClinVar:

NM_014694.4(ADAMTSL2):c.651G>A (p.Thr217=)

Gene: ADAMTSL2 (ADAMTS like 2; plus strand). Cytogenetic location: 9q34.2.
Variant type: single nucleotide variant.
Coding change: c.651G>A on transcript NM_014694.4 (MANE Select); coding-DNA position 651, G replaced by A.
Protein change: p.Thr217=; no amino-acid change (threonine 217 retained).
Molecular consequence: synonymous variant.
Genome position (GRCh38, 1-based): chr9:133,540,970, G>A. VCF-style: chr9-133540970-G-A. GRCh37 (hg19) VCF-style: chr9-136406092-G-A.
Other names: c.651G>A, p.Thr217= (NM_001145320.2).
Identifiers: ClinVar variation 912858 (VCV000912858.7), dbSNP rs148191166, ClinGen allele CA5312696.

ClinVar aggregate classification (germline): Conflicting classifications of pathogenicity. Review status: criteria provided, conflicting classifications (1 of 4 stars). 3 submissions from 3 submitters: Uncertain significance (1); Likely benign (1). 1 of the submissions does not count toward it. Last evaluated 2024-06-07.

Conditions:
Geleophysic dysplasia 1 (GPHYSD1). Also called: Geleophysic dwarfism. Identifiers: Orphanet 2623, MedGen C3278147, MONDO:0009269, OMIM 231050.
ADAMTSL2-related disorder. Also called: ADAMTSL2-related condition.

Allele frequency attached by ClinVar (database versions not stated): gnomAD 0.00007 and 0.00011; TOPMed 0.00010; gnomAD exomes 0.00014 and 0.00015; 1000 Genomes Project 30x 0.00016; ExAC 0.00018; 1000 Genomes Project 0.00020; ESP Exome Variant Server 0.00038.
gnomAD v4.1: 251 of 1,613,418 alleles (0.016%); highest among the groups gnomAD compares: South Asian, 0.033%; 1 homozygote.

Submissions (3):

Blueprint Genetics
Classification: Likely benign. Last evaluated: 2024-06-07. Review status: criteria provided, single submitter. Criteria: ACMG Guidelines, 2015. Collection method: clinical testing. Allele origin: germline.

Illumina Laboratory Services, Illumina
Classification: Uncertain significance for Geleophysic dysplasia 1. Last evaluated: 2018-01-13. Review status: criteria provided, single submitter. Criteria: ICSL Variant Classification Criteria 13 December 2019. Collection method: clinical testing. Allele origin: germline.

PreventionGenetics, part of Exact Sciences
Classification: Likely benign for ADAMTSL2-related condition. Last evaluated: 2024-02-20. Review status: no assertion criteria provided. Collection method: clinical testing. Allele origin: germline. Not counted in ClinVar's aggregate classification.
Comment: This variant is classified as likely benign based on ACMG/AMP sequence variant interpretation guidelines (Richards et al. 2015 PMID: 25741868, with internal and published modifications).